The following is an entry in ClinVar:

NM_000051.4(ATM):c.1111_1115del (p.Thr371fs)

Gene: ATM (ATM serine/threonine kinase; plus strand). Cytogenetic location: 11q22.3.
Variant type: Deletion.
Coding change: c.1111_1115del on transcript NM_000051.4 (MANE Select); coding-DNA positions 1111 to 1115, 5 bases deleted (ACTAC; older notation c.1111_1115delACTAC).
Protein change: p.Thr371fs; shifts the reading frame from threonine 371.
Molecular consequence: frameshift variant.
Genome position (GRCh38, 1-based): chr11:108,248,978-108,248,982, ACTAC deleted; deleting any 5 consecutive bases within chr11:108,248,975-108,248,982 gives the same sequence; the c. name uses the placement nearest the transcript's 3' end. VCF-style (leftmost placement, unchanged base first): chr11-108248974-TTACAC-T. GRCh37 (hg19) VCF-style: chr11-108119701-TTACAC-T.
Other names: c.1111_1115del, p.Thr371fs (NM_001351834.2); short protein forms T371fs.
Identifiers: ClinVar variation 2105718 (VCV002105718.4), dbSNP rs2497208585, ClinGen allele CA2580083752.

ClinVar aggregate classification (germline): Pathogenic (1 of 4 stars; one submission).

Conditions:
Ataxia-telangiectasia syndrome (AT). Also called: AT, COMPLEMENTATION GROUP C; Ataxia telangiectasia (A-T); LOUIS-BAR SYNDROME; Ataxia-telangiectasia, complementation group D; Ataxia-telangiectasia, complementation group E; ATAXIA-TELANGIECTASIA, COMPLEMENTATION GROUP A. Identifiers: Orphanet 100, MedGen C0004135, MONDO:0008840, OMIM 208900.

Submission:

Labcorp Genetics (formerly Invitae), Labcorp
Classification: Pathogenic for Ataxia-telangiectasia syndrome. Last evaluated: 2022-03-02. Review status: criteria provided, single submitter. Criteria: Invitae Variant Classification Sherloc (09022015). Collection method: clinical testing. Allele origin: germline.
Comment: For these reasons, this variant has been classified as Pathogenic. This variant has not been reported in the literature in individuals affected with ATM-related conditions. This variant is not present in population databases (gnomAD no frequency). This sequence change creates a premature translational stop signal (p.Thr371Tyrfs*6) in the ATM gene. It is expected to result in an absent or disrupted protein product. Loss-of-function variants in ATM are known to be pathogenic (PMID: 23807571, 25614872).

Literature cited by the submitters: PubMed 23807571; PubMed 25614872.